The following is an entry in ClinVar:

ClinVar aggregate classification (germline): Uncertain significance (1 of 4 stars; one submission).

Conditions:
3-methylcrotonyl-CoA carboxylase 1 deficiency (MCC1D). Also called: MCCD TYPE 1; METHYLCROTONYLGLYCINURIA TYPE I; MCC 1 deficiency; 3 Alpha methylcrotonylglycinuria 1. Identifiers: Orphanet 6, MedGen CN028786, MONDO:0008861, OMIM 210200.

gnomAD v4.1: 1 of 1,611,068 alleles (0.000062%); highest among the groups gnomAD compares: Non-Finnish European, 0.000085%; no homozygotes.

Submission:

Labcorp Genetics (formerly Invitae), Labcorp
Classification: Uncertain significance for 3-methylcrotonyl-CoA carboxylase 1 deficiency. Last evaluated: 2022-04-22. Review status: criteria provided, single submitter. Criteria: Invitae Variant Classification Sherloc (09022015). Collection method: clinical testing. Allele origin: germline.
Comment: This sequence change replaces aspartic acid, which is acidic and polar, with glutamic acid, which is acidic and polar, at codon 275 of the MCCC1 protein (p.Asp275Glu). This variant is not present in population databases (gnomAD no frequency). This variant has not been reported in the literature in individuals affected with MCCC1-related conditions. Advanced modeling of protein sequence and biophysical properties (such as structural, functional, and spatial information, amino acid conservation, physicochemical variation, residue mobility, and thermodynamic stability) performed at Invitae indicates that this missense variant is expected to disrupt MCCC1 protein function. In summary, the available evidence is currently insufficient to determine the role of this variant in disease. Therefore, it has been classified as a Variant of Uncertain Significance.

NM_020166.5(MCCC1):c.825C>A (p.Asp275Glu)

Gene: MCCC1 (methylcrotonyl-CoA carboxylase subunit 1; minus strand). Cytogenetic location: 3q27.1.
Variant type: single nucleotide variant.
Coding change: c.825C>A on transcript NM_020166.5 (MANE Select); coding-DNA position 825, C replaced by A.
Protein change: p.Asp275Glu; replaces aspartic acid 275 with glutamic acid.
Molecular consequence: missense variant. On other transcripts: non-coding transcript variant (2).
Genome position (GRCh38, 1-based): chr3:183,057,359, G>T on the plus strand (C>A on the coding strand, the complement: MCCC1 is on the minus strand). VCF-style: chr3-183057359-G-T. GRCh37 (hg19) VCF-style: chr3-182775147-G-T.
Other names: c.474C>A, p.Asp158Glu (NM_001293273.2); c.498C>A, p.Asp166Glu (NM_001363880.1); short protein forms D158E, D275E, D166E.
Identifiers: ClinVar variation 2149331 (VCV002149331.4), dbSNP rs1457499945, ClinGen allele CA355327785.
Genomic context (GRCh38, chr3:183,057,359, plus strand): 5'-CAAGGTCCTTACCGCTGGGGCCTCCTCAATGATCTTCTGATGTCGCCTCTGCACACTACA[G>T]TCTCTTTCAAACAAGTACACAGCATTGCCATGGTGATCACCAAACACCTGGACTTCTACA-3'
Protein context (NP_064551.3, residues 265-285): HGNAVYLFER[Asp275Glu]CSVQRRHQKI